The following is an entry in ClinVar:

NM_172351.3(CD46):c.352G>A (p.Glu118Lys)

Gene: CD46 (CD46 molecule; plus strand). Cytogenetic location: 1q32.2.
Variant type: single nucleotide variant.
Coding change: c.352G>A on transcript NM_172351.3 (MANE Select); coding-DNA position 352, G replaced by A.
Protein change: p.Glu118Lys; replaces glutamic acid 118 with lysine.
Molecular consequence: missense variant.
Genome position (GRCh38, 1-based): chr1:207,757,605, G>A. VCF-style: chr1-207757605-G-A. GRCh37 (hg19) VCF-style: chr1-207930950-G-A.
Other names: c.352G>A, p.Glu118Lys (NM_002389.4, NM_153826.4, NM_172350.3 and 8 more transcripts); short protein forms E118K.
Identifiers: ClinVar variation 4782144 (VCV004782144.1).

ClinVar aggregate classification (germline): Uncertain significance (1 of 4 stars; one submission).

gnomAD v4.1: 8 of 1,611,264 alleles (0.0005%); highest among the groups gnomAD compares: South Asian, 0.0022%; no homozygotes.

Submission:

Labcorp Genetics (formerly Invitae), Labcorp
Classification: Uncertain significance. Last evaluated: 2025-06-17. Review status: criteria provided, single submitter. Criteria: Invitae Variant Classification Sherloc (09022015). Collection method: clinical testing. Allele origin: germline.
Comment: This sequence change replaces glutamic acid, which is acidic and polar, with lysine, which is basic and polar, at codon 118 of the CD46 protein (p.Glu118Lys). This variant is not present in population databases (gnomAD no frequency). This variant has not been reported in the literature in individuals affected with CD46-related conditions. Invitae Evidence Modeling of protein sequence and biophysical properties (such as structural, functional, and spatial information, amino acid conservation, physicochemical variation, residue mobility, and thermodynamic stability) indicates that this missense variant is not expected to disrupt CD46 protein function with a negative predictive value of 80%. In summary, the available evidence is currently insufficient to determine the role of this variant in disease. Therefore, it has been classified as a Variant of Uncertain Significance.